The following is an entry in ClinVar:

ClinVar aggregate classification (germline): Pathogenic/Likely pathogenic. Review status: criteria provided, multiple submitters, no conflicts (2 of 4 stars). 5 submissions from 5 submitters: Pathogenic (1); Likely pathogenic (3). 1 of the submissions does not count toward it. Last evaluated 2021-11-22.

Conditions:
Glycogen storage disease IXa2 (GSD9A2). Also called: GSD IXa2. Identifiers: MedGen C2748941, MONDO:0100439.
Glycogen storage disease IXa1. Also called: GLYCOGEN STORAGE DISEASE VIII; GSD VIII; Glycogen storage disease 8; LIVER GLYCOGENOSIS, X-LINKED, TYPE I. Identifiers: Orphanet 264580, MedGen C3694531, MONDO:0010598, OMIM 306000.
PHKA2-related disorder. Also called: PHKA2-related condition.

Allele frequency attached by ClinVar (database versions not stated): gnomAD exomes below 0.00001.
gnomAD v4.1: 1 of 1,193,088 alleles (0.000084%); highest among the groups gnomAD compares: Non-Finnish European, 0.00011%; no homozygotes.

Submissions (5):

Center for Genomics, Ann and Robert H. Lurie Children's Hospital of Chicago
Classification: Likely pathogenic for Glycogen storage disease IXa1. Last evaluated: 2021-11-22. Review status: criteria provided, single submitter. Criteria: ACMG Guidelines, 2015. Collection method: clinical testing. Allele origin: germline.
Comment: PHKA2 NM_000292.2 exon 6 p.Arg186Cys (c.556C>T): This variant has been reported in the literature in at least 2 individuals with Glycogen storage disease IX (also described as X-Linked Liver Glycogenosis) (Hendrickx 1996 PMID:8733133, Davit-Spraul 2011 PMID:21646031). This variant is not present in large control databases. This variant is present in ClinVar (Variation ID:10538). Evolutionary conservation and computational predictive tools suggest that this variant may impact the protein. Other variants at this same codon (p.Arg186His, p.Arg186Pro) have been reported in the literature, supporting that this region has significance. In summary, data on this variant is highly suspicious for disease, but requires further evidence for pathogenicity. Therefore, this variant classified as likely pathogenic.

GeneDx
Classification: Likely pathogenic. Last evaluated: 2021-07-21. Review status: criteria provided, single submitter. Criteria: GeneDx Variant Classification Process June 2021. Collection method: clinical testing. Allele origin: germline. Affected: yes.
Comment: Observed in the hemizygous state in several unrelated patients with features of a PHKA2-related disorder referred for genetic testing at GeneDx and in the published literature (Hendrickx et al., 1996; Hendrickx et al., 1999; Davit-Spraul et al., 2011) A different missense change at this residue (R186H) has been reported as likely pathogenic in ClinVar (SCV000898874.1; Landrum et al., 2016) Not observed in large population cohorts (Lek et al., 2016) In silico analysis supports that this missense variant has a deleterious effect on protein structure/function

Blueprint Genetics
Classification: Pathogenic for PHKA2-related disorders. Last evaluated: 2020-04-20. Review status: criteria provided, single submitter. Criteria: ACMG Guidelines, 2015. Collection method: clinical testing. Allele origin: germline. Affected: yes. Observed: 2 variant alleles.

Labcorp Genetics (formerly Invitae), Labcorp
Classification: Likely pathogenic for Glycogen storage disease IXa1. Last evaluated: 2019-08-26. Review status: criteria provided, single submitter. Criteria: Invitae Variant Classification Sherloc (09022015). Collection method: clinical testing. Allele origin: germline.
Comment: This sequence change replaces arginine with cysteine at codon 186 of the PHKA2 protein (p.Arg186Cys). The arginine residue is highly conserved and there is a large physicochemical difference between arginine and cysteine. This variant is not present in population databases (ExAC no frequency). In summary, the currently available evidence indicates that the variant is pathogenic, but additional data are needed to prove that conclusively. Therefore, this variant has been classified as Likely Pathogenic. This variant disrupts the p.Arg186 amino acid residue in PHKA2. Other variant(s) that disrupt this residue have been determined to be pathogenic (PMID: 8733134, 9835437, 25266922). This suggests that this residue is clinically significant, and that variants that disrupt this residue are likely to be disease-causing. Algorithms developed to predict the effect of missense changes on protein structure and function are either unavailable or do not agree on the potential impact of this missense change (SIFT: "Deleterious"; PolyPhen-2: "Probably Damaging"; Align-GVGD: "Class C0"). This variant has been observed in several individuals with clinical features of glycogen storage disease (PMID: 8733133, 10330341, Invitae). ClinVar contains an entry for this variant (Variation ID: 10538).

OMIM
Classification: Pathogenic for GLYCOGEN STORAGE DISEASE, TYPE IXa2. Last evaluated: 1996-05-01. Review status: no assertion criteria provided. Collection method: literature only. Allele origin: germline. Not counted in ClinVar's aggregate classification.

Literature cited by the submitters: PubMed 8733134 (cited by Labcorp Genetics (formerly Invitae), Labcorp); PubMed 9835437 (cited by Labcorp Genetics (formerly Invitae), Labcorp); PubMed 25266922 (cited by Labcorp Genetics (formerly Invitae), Labcorp); PubMed 8733133 (cited by Labcorp Genetics (formerly Invitae), Labcorp and OMIM); PubMed 10330341 (cited by Labcorp Genetics (formerly Invitae), Labcorp).

NM_000292.3(PHKA2):c.556C>T (p.Arg186Cys)

Gene: PHKA2 (phosphorylase kinase regulatory subunit alpha 2; minus strand). Cytogenetic location: Xp22.13.
Variant type: single nucleotide variant.
Coding change: c.556C>T on transcript NM_000292.3 (MANE Select); coding-DNA position 556, C replaced by T.
Protein change: p.Arg186Cys; replaces arginine 186 with cysteine.
Molecular consequence: missense variant.
Genome position (GRCh38, 1-based): chrX:18,945,140, G>A on the plus strand (C>T on the coding strand, the complement: PHKA2 is on the minus strand). VCF-style: chrX-18945140-G-A. GRCh37 (hg19) VCF-style: chrX-18963258-G-A.
Other names: R556C; short protein forms R186C.
Identifiers: ClinVar variation 10538 (VCV000010538.16), dbSNP rs137852294, ClinGen allele CA121113.